The following is an entry in ClinVar:

NM_001352514.2(HLCS):c.2237-17T>G

Gene: HLCS (holocarboxylase synthetase; minus strand). Cytogenetic location: 21q22.13.
Variant type: single nucleotide variant.
Coding change: c.2237-17T>G on transcript NM_001352514.2 (MANE Select); 17 bases into the intron before coding-DNA position 2237, T replaced by G.
Molecular consequence: intron variant. On other transcripts: non-coding transcript variant (2).
Genome position (GRCh38, 1-based): chr21:36,756,772, A>C on the plus strand (T>G on the coding strand, the complement: HLCS is on the minus strand). VCF-style: chr21-36756772-A-C. GRCh37 (hg19) VCF-style: chr21-38129073-A-C.
Other names: c.1796-17T>G (NM_001352517.1, NM_001242785.2, NM_001352515.2 and 4 more transcripts).
Identifiers: ClinVar variation 515895 (VCV000515895.3), dbSNP rs1320109632, ClinGen allele CA637794170.

ClinVar aggregate classification (germline): Likely benign. Review status: criteria provided, multiple submitters, no conflicts (2 of 4 stars). 2 submissions from 2 submitters: Likely benign (2). Last evaluated 2024-03-12.

Conditions:
Holocarboxylase synthetase deficiency. Also called: MULTIPLE CARBOXYLASE DEFICIENCY, EARLY ONSET. Identifiers: Orphanet 79242, MedGen C0268581, MONDO:0009666, OMIM 253270.

Allele frequency attached by ClinVar (database versions not stated): gnomAD exomes below 0.00001; TOPMed 0.00001.
gnomAD v4.1: 5 of 1,613,978 alleles (0.00031%); highest among the groups gnomAD compares: Non-Finnish European, 0.00042%; no homozygotes.

Submissions (2):

Labcorp Genetics (formerly Invitae), Labcorp
Classification: Likely benign for Holocarboxylase synthetase deficiency. Last evaluated: 2024-03-12. Review status: criteria provided, single submitter. Criteria: Invitae Variant Classification Sherloc (09022015). Collection method: clinical testing. Allele origin: germline.

GeneDx
Classification: Likely benign. Last evaluated: 2018-03-12. Review status: criteria provided, single submitter. Criteria: GeneDx Variant Classification (06012015). Collection method: clinical testing. Allele origin: germline. Affected: yes.
Comment: This variant is considered likely benign or benign based on one or more of the following criteria: it is a conservative change, it occurs at a poorly conserved position in the protein, it is predicted to be benign by multiple in silico algorithms, and/or has population frequency not consistent with disease.